The following is an entry in ClinVar:

ClinVar aggregate classification (germline): Uncertain significance. Review status: criteria provided, multiple submitters, no conflicts (2 of 4 stars). 2 submissions from 2 submitters: Uncertain significance (2). Last evaluated 2024-01-18.

Conditions:
Hyperkalemic periodic paralysis. Also called: Gamstorp disease; Familial hyperkalemic periodic paralysis. Identifiers: Orphanet 682, MedGen C0238357, MONDO:0008224, OMIM 170500, HP:0007215.

Allele frequency attached by ClinVar (database versions not stated): ExAC 0.00001; gnomAD 0.00001; gnomAD exomes 0.00001.
gnomAD v4.1: 13 of 1,613,900 alleles (0.00081%); highest among the groups gnomAD compares: Middle Eastern, 0.033%; no homozygotes.

Submissions (2):

Labcorp Genetics (formerly Invitae), Labcorp
Classification: Uncertain significance for Hyperkalemic periodic paralysis. Last evaluated: 2024-01-18. Review status: criteria provided, single submitter. Criteria: Invitae Variant Classification Sherloc (09022015). Collection method: clinical testing. Allele origin: germline.
Comment: This sequence change replaces aspartic acid, which is acidic and polar, with asparagine, which is neutral and polar, at codon 356 of the SCN4A protein (p.Asp356Asn). This variant is present in population databases (rs750384234, gnomAD 0.006%). This variant has not been reported in the literature in individuals affected with SCN4A-related conditions. ClinVar contains an entry for this variant (Variation ID: 1967975). Advanced modeling of protein sequence and biophysical properties (such as structural, functional, and spatial information, amino acid conservation, physicochemical variation, residue mobility, and thermodynamic stability) has been performed at Invitae for this missense variant, however the output from this modeling did not meet the statistical confidence thresholds required to predict the impact of this variant on SCN4A protein function. In summary, the available evidence is currently insufficient to determine the role of this variant in disease. Therefore, it has been classified as a Variant of Uncertain Significance.

Blueprint Genetics
Classification: Uncertain significance. Last evaluated: 2020-01-23. Review status: criteria provided, single submitter. Criteria: ACMG Guidelines, 2015. Collection method: clinical testing. Allele origin: germline.

NM_000334.4(SCN4A):c.1066G>A (p.Asp356Asn)

Gene: SCN4A (sodium voltage-gated channel alpha subunit 4; minus strand). Cytogenetic location: 17q23.3.
Variant type: single nucleotide variant.
Coding change: c.1066G>A on transcript NM_000334.4 (MANE Select); coding-DNA position 1066, G replaced by A.
Protein change: p.Asp356Asn; replaces aspartic acid 356 with asparagine.
Molecular consequence: missense variant.
Genome position (GRCh38, 1-based): chr17:63,966,515, C>T on the plus strand (G>A on the coding strand, the complement: SCN4A is on the minus strand). VCF-style: chr17-63966515-C-T. GRCh37 (hg19) VCF-style: chr17-62043875-C-T.
Other names: short protein forms D356N.
Identifiers: ClinVar variation 1967975 (VCV001967975.6), dbSNP rs750384234, ClinGen allele CA8709943.